The following is an entry in ClinVar:

ClinVar aggregate classification (germline): Uncertain significance (1 of 4 stars; one submission).

Conditions:
MARS1-related disorder. Also called: MARS1-related condition.

gnomAD v4.1: 4 of 1,612,722 alleles (0.00025%); highest among the groups gnomAD compares: African/African-American, 0.004%; no homozygotes.

Submission:

PreventionGenetics, part of Exact Sciences
Classification: Uncertain significance for MARS1-related condition. Last evaluated: 2026-03-25. Review status: criteria provided, single submitter. Criteria: ACMG Guidelines, 2015. Collection method: clinical testing. Allele origin: germline.
Comment: The MARS1 c.596G>T variant is predicted to result in the amino acid substitution p.Arg199Leu. To our knowledge, this variant has not been reported in the literature. An alternate missense change at the same amino acid position (p.Arg199Gln) has been reported in a family with presumed autosomal dominant Charcot-Marie-Tooth disease (Ma et al. 2022. PubMed ID: 35723632). This variant is reported in 0.011% of alleles in individuals of African descent in gnomAD. At this time, the clinical significance of this variant is uncertain due to the absence of conclusive functional and genetic evidence.

NM_004990.4(MARS1):c.596G>T (p.Arg199Leu)

Gene: MARS1 (methionyl-tRNA synthetase 1; plus strand). Cytogenetic location: 12q13.3.
Variant type: single nucleotide variant.
Coding change: c.596G>T on transcript NM_004990.4 (MANE Select); coding-DNA position 596, G replaced by T.
Protein change: p.Arg199Leu; replaces arginine 199 with leucine.
Molecular consequence: missense variant.
Genome position (GRCh38, 1-based): chr12:57,490,312, G>T. VCF-style: chr12-57490312-G-T. GRCh37 (hg19) VCF-style: chr12-57884095-G-T.
Other names: short protein forms R199L.
Identifiers: ClinVar variation 4993218 (VCV004993218.1).